The following is an entry in ClinVar:

ClinVar aggregate classification (germline): Pathogenic/Likely pathogenic. Review status: criteria provided, multiple submitters, no conflicts (2 of 4 stars). 10 submissions from 9 submitters: Pathogenic (3); Likely pathogenic (6). 1 of the submissions does not count toward it. Last evaluated 2025-08-08.

Conditions:
Fetal akinesia deformation sequence 2. Identifiers: MedGen C4760576, MONDO:0100102, OMIM 618388.
Congenital myasthenic syndrome 11. Also called: MYASTHENIC SYNDROME, CONGENITAL, Ie; Myasthenic syndrome, congenital, 11, associated with acetylcholine receptor deficiency. Identifiers: Orphanet 590, MedGen C4225367, MONDO:0014588, OMIM 616326.
RAPSN-related disorder. Also called: RAPSN-related condition; RAPSN-related disorders. Identifiers: MedGen CN239397.
Fetal akinesia deformation sequence 1 (FADS1). Also called: Fetal akinesia sequence; Pena-Shokeir syndrome type I. Identifiers: Orphanet 994, MedGen C1276035, MONDO:0100101, OMIM 208150, HP:0001989.
Congenital myasthenic syndrome (CMS). Also called: Congenital Myasthenic Syndromes. Identifiers: Orphanet 590, MedGen C0751882, MeSH D020294, MONDO:0018940.
Myopathy. Identifiers: MedGen C0026848, MeSH D009135, MONDO:0005336, HP:0003198.

Allele frequency attached by ClinVar (database versions not stated): gnomAD exomes 0.00001 and 0.00002; ExAC 0.00001; gnomAD 0.00002; TOPMed 0.00002.

Submissions (10):

Myriad Genetics, Inc.
Classification: Likely pathogenic for RAPSN-related disorder. Last evaluated: 2025-08-08. Review status: criteria provided, single submitter. Criteria: Myriad Autosomal Dominant, Autosomal Recessive and X-Linked Classification Criteria (2023). Collection method: clinical testing. Allele origin: unknown.
Comment: NM_005055.4(RAPSN):c.490C>T(R164C) is a missense variant classified as likely pathogenic in the context of RAPSN-related disorders. R164C has been observed in cases with relevant disease (PMID: 32070632, 34106991, 16931511, 37646703). Relevant functional assessments of this variant are available in the literature (PMID: 16931511). R164C has been observed in referenced population frequency databases. In summary, NM_005055.4(RAPSN):c.490C>T(R164C) is a missense variant that has been observed more frequently in cases with the relevant disease than in healthy populations. Please note: this variant was assessed in the context of healthy population screening.

Labcorp Genetics (formerly Invitae), Labcorp
Classification: Pathogenic for Congenital myasthenic syndrome 11; Fetal akinesia deformation sequence 1. Last evaluated: 2025-08-04. Review status: criteria provided, single submitter. Criteria: Invitae Variant Classification Sherloc (09022015). Collection method: clinical testing. Allele origin: germline.
Comment: This sequence change replaces arginine, which is basic and polar, with cysteine, which is neutral and slightly polar, at codon 164 of the RAPSN protein (p.Arg164Cys). This variant is present in population databases (rs104894294, gnomAD 0.005%). This missense change has been observed in individuals with congenital myasthenic syndrome and/or limb-girdle weakness (PMID: 16931511, 32070632, 32528171, 34106991). ClinVar contains an entry for this variant (Variation ID: 8054). Invitae Evidence Modeling of protein sequence and biophysical properties (such as structural, functional, and spatial information, amino acid conservation, physicochemical variation, residue mobility, and thermodynamic stability) has been performed for this missense variant. However, the output from this modeling did not meet the statistical confidence thresholds required to predict the impact of this variant on RAPSN protein function. Experimental studies have shown that this missense change affects RAPSN function (PMID: 16931511). This variant disrupts the p.Arg164 amino acid residue in RAPSN. Other variant(s) that disrupt this residue have been determined to be pathogenic (internal data). This suggests that this residue is clinically significant, and that variants that disrupt this residue are likely to be disease-causing. For these reasons, this variant has been classified as Pathogenic.

Natera, Inc.
Classification: Likely pathogenic for Congenital myasthenic syndrome. Last evaluated: 2025-06-08. Review status: criteria provided, single submitter. Criteria: Natera Variant Classification Schema (03/2026). Collection method: clinical testing. Allele origin: germline.
Comment: The c.490C>T variant in RAPSN is a missense variant predicted to cause substitution of arginine to cysteine at amino acid 164. This variant is rare in the general population with a frequency below the threshold expected for the associated phenotype(s). This variant has been observed in one or more individuals affected with the associated recessive disease, as either homozygous or compound heterozygous with a second variant (PMID: 37646703, 34106991, 32070632). Additionally, this variant has been observed to segregate in affected family members (PMID: 32070632). Computational prediction algorithms indicate this variant is likely to affect gene or protein function. Given the available evidence, this variant is classified as Likely Pathogenic.

Fulgent Genetics
Classification: Likely pathogenic for Congenital myasthenic syndrome 11; Fetal akinesia deformation sequence 2. Last evaluated: 2024-05-23. Review status: criteria provided, single submitter. Criteria: ACMG Guidelines, 2015. Collection method: clinical testing. Allele origin: germline.

Baylor Genetics
Classification: Likely pathogenic for Fetal akinesia deformation sequence 2. Last evaluated: 2024-02-06. Review status: criteria provided, single submitter. Criteria: ACMG Guidelines, 2015. Collection method: clinical testing. Allele origin: unknown.

Centre for Mendelian Genomics, University Medical Centre Ljubljana
Classification: Pathogenic for Congenital myasthenic syndrome 11. Last evaluated: 2016-01-01. Review status: criteria provided, single submitter. Criteria: ACMG Guidelines, 2015. Collection method: clinical testing. Allele origin: unknown. Affected: yes.
Comment: This variant was classified as: Pathogenic. The following ACMG criteria were applied in classifying this variant: PS3,PM2,PM3,PP4,PP3.

Centre for Mendelian Genomics, University Medical Centre Ljubljana
Classification: Likely pathogenic for Myopathy. Last evaluated: 2015-05-05. Review status: criteria provided, single submitter. Criteria: ACMG Guidelines, 2015. Collection method: clinical testing. Allele origin: unknown. Affected: yes.

Juno Genomics, Hangzhou Juno Genomics, Inc
Classification: Likely pathogenic for Fetal akinesia deformation sequence 2; Congenital myasthenic syndrome 11. Review status: criteria provided, single submitter. Criteria: ACMG Guidelines, 2015. Collection method: clinical testing. Allele origin: germline.
Comment: Absent from controls (or at extremely low frequency if recessive) in Genome Aggregation Database.;For recessive disorders, detected in trans with a pathogenic variant.;Well-established in vitro or in vivo functional studies supportive of a damaging effect on the gene or gene product.

Kasturba Medical College, Manipal, Kasturba Medical College, Manipal, Manipal Academy of Higher Education, Manipal, India
Classification: Pathogenic for Congenital myasthenic syndrome 11. Review status: criteria provided, single submitter. Criteria: ACMG Guidelines, 2015. Collection method: clinical testing. Allele origin: inherited. Affected: yes.

OMIM
Classification: Pathogenic for MYASTHENIC SYNDROME, CONGENITAL, 11, ASSOCIATED WITH ACETYLCHOLINE RECEPTOR DEFICIENCY. Last evaluated: 2006-10-10. Review status: no assertion criteria provided. Collection method: literature only. Allele origin: germline. Not counted in ClinVar's aggregate classification.

Literature cited by the submitters: PubMed 16931511 (cited by 3 submitters); PubMed 32070632 (cited by 3 submitters); PubMed 34106991 (cited by 3 submitters); PubMed 37646703 (cited by Myriad Genetics, Inc. and Natera, Inc.); PubMed 32528171 (cited by Labcorp Genetics (formerly Invitae), Labcorp).

NM_005055.5(RAPSN):c.490C>T (p.Arg164Cys)

Gene: RAPSN (receptor associated protein of the synapse; minus strand). Cytogenetic location: 11p11.2.
Variant type: single nucleotide variant.
Coding change: c.490C>T on transcript NM_005055.5 (MANE Select); coding-DNA position 490, C replaced by T.
Protein change: p.Arg164Cys; replaces arginine 164 with cysteine.
Molecular consequence: missense variant.
Genome position (GRCh38, 1-based): chr11:47,447,853, G>A on the plus strand (C>T on the coding strand, the complement: RAPSN is on the minus strand). VCF-style: chr11-47447853-G-A. GRCh37 (hg19) VCF-style: chr11-47469405-G-A.
Other names: c.490C>T, p.Arg164Cys (NM_032645.5); short protein forms R164C.
Identifiers: ClinVar variation 8054 (VCV000008054.18), dbSNP rs104894294, ClinGen allele CA119256.
Genomic context (GRCh38, chr11:47,447,853, plus strand): 5'-CCCTGGGGTGCAGGCCCACCTTGACCTGGGCATAGAAGCTGCCCAGGCTGCAGCACACGC[G>A]GCACTCGAGCATGGCGTCATCATTGTTGTGGGCATAGCGCAGGGCCTTCTCGAAGCTCTC-3'
Protein context (NP_005046.2, residues 154-174): HNNDDAMLEC[Arg164Cys]VCCSLGSFYA